The following is an entry in ClinVar:

NM_001002755.4(NFU1):c.103C>T (p.Gln35Ter)

Gene: NFU1 (NFU1 iron-sulfur cluster scaffold; minus strand). Cytogenetic location: 2p13.3.
Variant type: single nucleotide variant.
Coding change: c.103C>T on transcript NM_001002755.4 (MANE Select); coding-DNA position 103, C replaced by T.
Protein change: p.Gln35Ter; replaces glutamine 35 with a stop codon.
Molecular consequence: nonsense. On other transcripts: 5 prime UTR variant (1), non-coding transcript variant (2).
Genome position (GRCh38, 1-based): chr2:69,431,965, G>A on the plus strand (C>T on the coding strand, the complement: NFU1 is on the minus strand). VCF-style: chr2-69431965-G-A. GRCh37 (hg19) VCF-style: chr2-69659097-G-A.
Other names: c.-185C>T (NM_001002756.2); c.31C>T, p.Gln11Ter (NM_001374284.1, NM_015700.4); c.103C>T (NM_001002755.2); short protein forms Q35*, Q11*.
Identifiers: ClinVar variation 499330 (VCV000499330.6), dbSNP rs1339043479, ClinGen allele CA347132743.

ClinVar aggregate classification (germline): Conflicting classifications of pathogenicity. Review status: criteria provided, conflicting classifications (1 of 4 stars). 2 submissions from 2 submitters: Pathogenic (1); Uncertain significance (1). Last evaluated 2024-04-20.

Allele frequency attached by ClinVar (database versions not stated): gnomAD 0.00001; TOPMed 0.00001.

Submissions (2):

GeneDx
Classification: Pathogenic. Last evaluated: 2024-04-20. Review status: criteria provided, single submitter. Criteria: GeneDx Variant Classification Process June 2021. Collection method: clinical testing. Allele origin: germline. Affected: yes.
Comment: Nonsense variant predicted to result in protein truncation or nonsense mediated decay in a gene for which loss of function is a known mechanism of disease; Not observed at significant frequency in large population cohorts (gnomAD); Has not been previously published as pathogenic or benign to our knowledge

Eurofins Ntd Llc (ga)
Classification: Uncertain significance. Last evaluated: 2016-12-20. Review status: criteria provided, single submitter. Criteria: EGL Classification Definitions 2015. Collection method: clinical testing. Allele origin: germline. Observed: 1 variant allele, 1 heterozygote.